The following is an entry in ClinVar:

NM_001458.5(FLNC):c.8170G>T (p.Val2724Phe)

Genes: FLNC (filamin C; plus strand), FLNC-AS1 (FLNC antisense RNA 1; minus strand). Cytogenetic location: 7q32.1.
Variant type: single nucleotide variant.
Coding change: c.8170G>T on transcript NM_001458.5 (MANE Select); coding-DNA position 8170, G replaced by T.
Protein change: p.Val2724Phe; replaces valine 2724 with phenylalanine.
Molecular consequence: missense variant.
Genome position (GRCh38, 1-based): chr7:128,858,515, G>T. VCF-style: chr7-128858515-G-T. GRCh37 (hg19) VCF-style: chr7-128498569-G-T.
Other names: c.8071G>T, p.Val2691Phe (NM_001127487.2); short protein forms V2724F, V2691F.
Identifiers: ClinVar variation 1400221 (VCV001400221.7), dbSNP rs1220183666, ClinGen allele CA369222247.

ClinVar aggregate classification (germline): Uncertain significance (1 of 4 stars; one submission).

Conditions:
Distal myopathy with posterior leg and anterior hand involvement. Also called: WILLIAMS DISTAL MYOPATHY. Identifiers: Orphanet 63273, MedGen C3279722, MONDO:0013550, OMIM 614065.
Myofibrillar myopathy 5. Also called: FILAMINOPATHY, AUTOSOMAL DOMINANT; Filaminopathy (type). Identifiers: Orphanet 171445, MedGen C1836050, MONDO:0012289, OMIM 609524.
Hypertrophic cardiomyopathy 26. Also called: Cardiomyopathy, familial hypertrophic, 26. Identifiers: Orphanet 75249, MedGen C4310749, MONDO:0014883, OMIM 617047.

Allele frequency attached by ClinVar (database versions not stated): TOPMed below 0.00001; gnomAD 0.00001.
gnomAD v4.1: 6 of 1,612,960 alleles (0.00037%); highest among the groups gnomAD compares: African/African-American, 0.0013%; no homozygotes.

Submission:

Labcorp Genetics (formerly Invitae), Labcorp
Classification: Uncertain significance for Distal myopathy with posterior leg and anterior hand involvement; Myofibrillar myopathy 5; Hypertrophic cardiomyopathy 26. Last evaluated: 2023-11-27. Review status: criteria provided, single submitter. Criteria: Invitae Variant Classification Sherloc (09022015). Collection method: clinical testing. Allele origin: germline.
Comment: This sequence change replaces valine, which is neutral and non-polar, with phenylalanine, which is neutral and non-polar, at codon 2724 of the FLNC protein (p.Val2724Phe). This variant is not present in population databases (gnomAD no frequency). This variant has not been reported in the literature in individuals affected with FLNC-related conditions. ClinVar contains an entry for this variant (Variation ID: 1400221). Advanced modeling of protein sequence and biophysical properties (such as structural, functional, and spatial information, amino acid conservation, physicochemical variation, residue mobility, and thermodynamic stability) performed at Invitae indicates that this missense variant is not expected to disrupt FLNC protein function with a negative predictive value of 80%. In summary, the available evidence is currently insufficient to determine the role of this variant in disease. Therefore, it has been classified as a Variant of Uncertain Significance.